The following is an entry in ClinVar:

ClinVar aggregate classification (germline): Uncertain significance (1 of 4 stars; one submission).

Conditions:
Rhabdoid tumor predisposition syndrome 2 (RTPS2). Identifiers: Orphanet 231108, Orphanet 69077, MedGen C2750074, MONDO:0013224, OMIM 613325.

Submission:

Labcorp Genetics (formerly Invitae), Labcorp
Classification: Uncertain significance for Rhabdoid tumor predisposition syndrome 2. Last evaluated: 2023-04-04. Review status: criteria provided, single submitter. Criteria: Invitae Variant Classification Sherloc (09022015). Collection method: clinical testing. Allele origin: germline.
Comment: Variants that disrupt the consensus splice site are a relatively common cause of aberrant splicing (PMID: 17576681, 9536098). Algorithms developed to predict the effect of sequence changes on RNA splicing suggest that this variant may create or strengthen a splice site. This sequence change falls in intron 26 of the SMARCA4 gene. It does not directly change the encoded amino acid sequence of the SMARCA4 protein. It affects a nucleotide within the consensus splice site. This variant is not present in population databases (gnomAD no frequency). This variant has not been reported in the literature in individuals affected with SMARCA4-related conditions. In summary, the available evidence is currently insufficient to determine the role of this variant in disease. Therefore, it has been classified as a Variant of Uncertain Significance.

Literature cited by the submitters: PubMed 17576681; PubMed 9536098.

NM_003072.5(SMARCA4):c.3774+1_3774+5dup

Gene: SMARCA4 (SWI/SNF related BAF chromatin remodeling complex subunit ATPase 4; plus strand). Cytogenetic location: 19p13.2.
Variant type: Duplication.
Coding change: c.3774+1_3774+5dup on transcript NM_003072.5 (MANE Select); the canonical splice donor site of the intron after coding-DNA position 3774 through 5 bases into the intron after coding-DNA position 3774, 5 bases duplicated (GTGAG; older notation c.3774+1_3774+5dupGTGAG).
Molecular consequence: splice donor variant.
Genome position (GRCh38, 1-based): chr19:11,033,518-11,033,522, GTGAG duplicated; duplicating any 5 consecutive bases within chr19:11,033,514-11,033,522 gives the same sequence; the c. name uses the placement nearest the transcript's 3' end. VCF-style (leftmost placement, unchanged base first): chr19-11033513-A-ATGAGG. GRCh37 (hg19) VCF-style: chr19-11144189-A-ATGAGG.
Other names: c.3774+1_3774+5dup (NM_001128846.2, NM_001128848.2, NM_001128845.2 and 6 more transcripts).
Identifiers: ClinVar variation 2843298 (VCV002843298.3), dbSNP rs2515288541, ClinGen allele CA2739276444.